The following is an entry in ClinVar:

NM_000124.4(ERCC6):c.2968C>A (p.Pro990Thr)

Gene: ERCC6 (ERCC excision repair 6, chromatin remodeling factor; minus strand). Cytogenetic location: 10q11.23.
Variant type: single nucleotide variant.
Coding change: c.2968C>A on transcript NM_000124.4 (MANE Select); coding-DNA position 2968, C replaced by A.
Protein change: p.Pro990Thr; replaces proline 990 with threonine.
Molecular consequence: missense variant.
Genome position (GRCh38, 1-based): chr10:49,471,077, G>T on the plus strand (C>A on the coding strand, the complement: ERCC6 is on the minus strand). VCF-style: chr10-49471077-G-T. GRCh37 (hg19) VCF-style: chr10-50679123-G-T.
Other names: c.2968C>A, p.Pro990Thr (NM_001346440.2); short protein forms P990T.
Identifiers: ClinVar variation 2009249 (VCV002009249.4), dbSNP rs2495974865, ClinGen allele CA376717762.
Genomic context (GRCh38, chr10:49,471,077, plus strand): 5'-GACTAGTCAGAGTAAATAGCTCATAGAGATCATTGGATTTGAAAAACCGCCTTTGTTTTG[G>T]GTCTTTTAGCACTCTATTTGTCAAAAACTGCTTGAAGATTTGTCTAAAAAAATAAAAGAT-3'
Protein context (NP_000115.1, residues 980-1000): QFLTNRVLKD[Pro990Thr]KQRRFFKSND

ClinVar aggregate classification (germline): Uncertain significance (1 of 4 stars; one submission).

Submission:

Labcorp Genetics (formerly Invitae), Labcorp
Classification: Uncertain significance. Last evaluated: 2025-06-30. Review status: criteria provided, single submitter. Criteria: Invitae Variant Classification Sherloc (09022015). Collection method: clinical testing. Allele origin: germline.
Comment: This sequence change replaces proline, which is neutral and non-polar, with threonine, which is neutral and polar, at codon 990 of the ERCC6 protein (p.Pro990Thr). This variant is not present in population databases (gnomAD no frequency). This variant has not been reported in the literature in individuals affected with ERCC6-related conditions. ClinVar contains an entry for this variant (Variation ID: 2009249). Invitae Evidence Modeling of protein sequence and biophysical properties (such as structural, functional, and spatial information, amino acid conservation, physicochemical variation, residue mobility, and thermodynamic stability) has been performed for this missense variant. However, the output from this modeling did not meet the statistical confidence thresholds required to predict the impact of this variant on ERCC6 protein function. In summary, the available evidence is currently insufficient to determine the role of this variant in disease. Therefore, it has been classified as a Variant of Uncertain Significance.